The following is an entry in ClinVar:

NM_032634.4(PIGO):c.655+7A>C

Gene: PIGO (phosphatidylinositol glycan anchor biosynthesis class O; minus strand). Cytogenetic location: 9p13.3.
Variant type: single nucleotide variant.
Coding change: c.655+7A>C on transcript NM_032634.4 (MANE Select); 7 bases into the intron after coding-DNA position 655, A replaced by C.
Molecular consequence: intron variant.
Genome position (GRCh38, 1-based): chr9:35,094,209, T>G on the plus strand (A>C on the coding strand, the complement: PIGO is on the minus strand). VCF-style: chr9-35094209-T-G. GRCh37 (hg19) VCF-style: chr9-35094206-T-G.
Other names: c.655+7A>C (NM_152850.4, NM_001201484.2).
Identifiers: ClinVar variation 384141 (VCV000384141.38), dbSNP rs118002220, ClinGen allele CA5040882.

ClinVar aggregate classification (germline): Likely benign. Review status: criteria provided, multiple submitters, no conflicts (2 of 4 stars). 6 submissions from 6 submitters: Likely benign (4). 2 of the submissions do not count toward it. Last evaluated 2026-01-11.

Conditions:
Hyperphosphatasia with impaired intellectual development syndrome 2. Also called: GLYCOSYLPHOSPHATIDYLINOSITOL BIOSYNTHESIS DEFECT 6; Hyperphosphatasia with intellectual disability syndrome 2. Identifiers: Orphanet 247262, MedGen C3553637, MONDO:0013882, OMIM 614749.

Allele frequency attached by ClinVar (database versions not stated): 1000 Genomes Project 30x 0.00031; ESP Exome Variant Server 0.00038; gnomAD 0.00038; gnomAD exomes 0.00047; 1000 Genomes Project 0.00020; TOPMed 0.00036; ExAC 0.00040.
gnomAD v4.1: 836 of 1,588,294 alleles (0.053%); highest among the groups gnomAD compares: South Asian, 0.12%; no homozygotes.

Submissions (6):

Labcorp Genetics (formerly Invitae), Labcorp
Classification: Likely benign for Hyperphosphatasia with impaired intellectual development syndrome 2. Last evaluated: 2026-01-11. Review status: criteria provided, single submitter. Criteria: Invitae Variant Classification Sherloc (09022015). Collection method: clinical testing. Allele origin: germline.

Blueprint Genetics
Classification: Likely benign. Last evaluated: 2024-07-10. Review status: criteria provided, single submitter. Criteria: ACMG Guidelines, 2015. Collection method: clinical testing. Allele origin: germline.

CeGaT Center for Human Genetics Tuebingen
Classification: Likely benign. Last evaluated: 2023-09-01. Review status: criteria provided, single submitter. Criteria: CeGaT Center For Human Genetics Tuebingen Variant Classification Criteria Version 2. Collection method: clinical testing. Allele origin: germline. Affected: yes. Observed: 2 variant alleles.
Comment: PIGO: BP4

GeneDx
Classification: Likely benign. Last evaluated: 2017-08-17. Review status: criteria provided, single submitter. Criteria: GeneDx Variant Classification (06012015). Collection method: clinical testing. Allele origin: germline. Affected: yes.
Comment: This variant is considered likely benign or benign based on one or more of the following criteria: it is a conservative change, it occurs at a poorly conserved position in the protein, it is predicted to be benign by multiple in silico algorithms, and/or has population frequency not consistent with disease.

Clinical Genetics DNA and cytogenetics Diagnostics Lab, Erasmus MC, Erasmus Medical Center
Classification: Likely benign. Review status: no assertion criteria provided. Collection method: clinical testing. Allele origin: germline. Affected: yes. Study: VKGL Data-share Consensus. Not counted in ClinVar's aggregate classification.

Genome Diagnostics Laboratory, University Medical Center Utrecht
Classification: Likely benign. Review status: no assertion criteria provided. Collection method: clinical testing. Allele origin: germline. Affected: yes. Study: VKGL Data-share Consensus. Not counted in ClinVar's aggregate classification.